The following is an entry in ClinVar:

ClinVar aggregate classification (germline): Pathogenic (0 of 4 stars; one submission).

Conditions:
Fanconi anemia complementation group I (FANCI). Also called: FANCI-Related Fanconi Anemia. Identifiers: Orphanet 84, MedGen C1836861, MONDO:0012186, OMIM 609053.

gnomAD v4.1: 3 of 1,614,178 alleles (0.00019%); highest among the groups gnomAD compares: Non-Finnish European, 0.00025%; no homozygotes.

Submission:

Leiden Open Variation Database
Classification: Pathogenic for Fanconi anemia complementation group I. Last evaluated: 2011-02-07. Review status: no assertion criteria provided. Collection method: curation. Allele origin: germline. Affected: yes.
Comment: Curator: Arleen D. Auerbach. Submitter to LOVD: Arleen D. Auerbach.

NM_001113378.2(FANCI):c.3521C>T (p.Thr1174Ile)

Gene: FANCI (FA complementation group I; plus strand). Cytogenetic location: 15q26.1.
Variant type: single nucleotide variant.
Coding change: c.3521C>T on transcript NM_001113378.2 (MANE Select); coding-DNA position 3521, C replaced by T.
Protein change: p.Thr1174Ile; replaces threonine 1174 with isoleucine.
Molecular consequence: missense variant.
Genome position (GRCh38, 1-based): chr15:89,306,178, C>T. VCF-style: chr15-89306178-C-T. GRCh37 (hg19) VCF-style: chr15-89849409-C-T.
Other names: c.3242C>T, p.Thr1081Ile (NM_001376910.1); c.3521C>T, p.Thr1174Ile (NM_001376911.1); c.3341C>T, p.Thr1114Ile (NM_018193.3); short protein forms T1081I, T1114I, T1174I.
Identifiers: ClinVar variation 929715 (VCV000929715.1), dbSNP rs757106031, ClinGen allele CA393740701.
Genomic context (GRCh38, chr15:89,306,178, plus strand): 5'-CATCAGGCAGCTGTGTGGACACCTTGTTAAAGGACTTGTGCAAAATGTACACCACACTTA[C>T]AGCCCTTGTCAGATATGTGAGTATTTGAGACAAGCAGATTCGCCCCACCATTCTACCCCA-3'
Protein context (NP_001106849.1, residues 1164-1184): KDLCKMYTTL[Thr1174Ile]ALVRYYLQVC